The following is an entry in ClinVar:

ClinVar aggregate classification (germline): Uncertain significance (1 of 4 stars; one submission).

Submission:

Ambry Genetics
Classification: Uncertain significance. Last evaluated: 2025-08-04. Review status: criteria provided, single submitter. Criteria: Ambry Variant Classification Scheme 2023. Collection method: clinical testing. Allele origin: germline.
Comment: The p.G1250R variant (also known as c.3748G>C), located in coding exon 7 of the MLH3 gene, results from a G to C substitution at nucleotide position 3748. The glycine at codon 1250 is replaced by arginine, an amino acid with dissimilar properties. This amino acid position is conserved. In addition, this alteration is predicted to be tolerated by in silico analysis. Based on the available evidence, the clinical significance of this variant remains unclear.

NM_001040108.2(MLH3):c.3748G>C (p.Gly1250Arg)

Gene: MLH3 (mutL homolog 3; minus strand). Cytogenetic location: 14q24.3.
Variant type: single nucleotide variant.
Coding change: c.3748G>C on transcript NM_001040108.2 (MANE Select); coding-DNA position 3748, G replaced by C.
Protein change: p.Gly1250Arg; replaces glycine 1250 with arginine.
Molecular consequence: missense variant.
Genome position (GRCh38, 1-based): chr14:75,032,147, C>G on the plus strand (G>C on the coding strand, the complement: MLH3 is on the minus strand). VCF-style: chr14-75032147-C-G. GRCh37 (hg19) VCF-style: chr14-75498850-C-G.
Other names: c.3676G>C, p.Gly1226Arg (NM_014381.3); short protein forms G1226R, G1250R.
Identifiers: ClinVar variation 4108661 (VCV004108661.1).